The following is an entry in ClinVar:

NM_000390.4(CHM):c.41dup (p.Gly15fs)

Gene: CHM (CHM Rab escort protein; minus strand). Cytogenetic location: Xq21.2.
Variant type: Duplication.
Coding change: c.41dup on transcript NM_000390.4 (MANE Select); coding-DNA position 41, one base duplicated (T; older notation c.41dupT).
Protein change: p.Gly15fs; shifts the reading frame from glycine 15.
Molecular consequence: frameshift variant.
Genome position (GRCh38, 1-based): chrX:86,047,492, A duplicated on the plus strand (T on the coding strand, the reverse complement: CHM is on the minus strand). VCF-style (leftmost placement, unchanged base first): chrX-86047491-T-TA. GRCh37 (hg19) VCF-style: chrX-85302495-T-TA.
Other names: c.41dup, p.Gly15fs (NM_001145414.4); c.41dupT (NM_000390.2); c.41dup (LRG_699t1); short protein forms G15fs.
Identifiers: ClinVar variation 418773 (VCV000418773.3), dbSNP rs1555972050, ClinGen allele CA16621519.

ClinVar aggregate classification (germline): Pathogenic (1 of 4 stars; one submission).

Submission:

GeneDx
Classification: Pathogenic. Last evaluated: 2019-11-20. Review status: criteria provided, single submitter. Criteria: GeneDx Variant Classification Process June 2021. Collection method: clinical testing. Allele origin: germline. Affected: yes.
Comment: Frameshift variant predicted to result in protein truncation or nonsense mediated decay in a gene for which loss-of-function is a known mechanism of disease; Not observed in large population cohorts (Lek et al., 2016); This variant is associated with the following publications: (PMID: 31235310)